The following is an entry in ClinVar:

ClinVar aggregate classification (germline): Uncertain significance. Review status: criteria provided, multiple submitters, no conflicts (2 of 4 stars). 2 submissions from 2 submitters: Uncertain significance (2). Last evaluated 2024-06-30.

Conditions:
Cardiovascular phenotype. Identifiers: MedGen CN230736.
Dilated cardiomyopathy 1DD (CMD1DD). Identifiers: Orphanet 154, MedGen C2750995, MONDO:0013168, OMIM 613172.

Allele frequency attached by ClinVar (database versions not stated): TOPMed 0.00001.
gnomAD v4.1: 3 of 1,551,738 alleles (0.00019%); highest among the groups gnomAD compares: Non-Finnish European, 0.00026%; no homozygotes.

Submissions (2):

Labcorp Genetics (formerly Invitae), Labcorp
Classification: Uncertain significance for Dilated cardiomyopathy 1DD. Last evaluated: 2024-06-30. Review status: criteria provided, single submitter. Criteria: Invitae Variant Classification Sherloc (09022015). Collection method: clinical testing. Allele origin: germline.
Comment: This sequence change replaces glycine, which is neutral and non-polar, with tryptophan, which is neutral and slightly polar, at codon 780 of the RBM20 protein (p.Gly780Trp). This variant is not present in population databases (gnomAD no frequency). This variant has not been reported in the literature in individuals affected with RBM20-related conditions. ClinVar contains an entry for this variant (Variation ID: 1017536). Advanced modeling of protein sequence and biophysical properties (such as structural, functional, and spatial information, amino acid conservation, physicochemical variation, residue mobility, and thermodynamic stability) performed at Invitae indicates that this missense variant is not expected to disrupt RBM20 protein function with a negative predictive value of 95%. In summary, the available evidence is currently insufficient to determine the role of this variant in disease. Therefore, it has been classified as a Variant of Uncertain Significance.

Ambry Genetics
Classification: Uncertain significance for Cardiovascular phenotype. Last evaluated: 2024-03-19. Review status: criteria provided, single submitter. Criteria: Ambry Variant Classification Scheme 2023. Collection method: clinical testing. Allele origin: germline.
Comment: The p.G780W variant (also known as c.2338G>T), located in coding exon 9 of the RBM20 gene, results from a G to T substitution at nucleotide position 2338. The glycine at codon 780 is replaced by tryptophan, an amino acid with highly dissimilar properties. This amino acid position is not well conserved in available vertebrate species. In addition, this alteration is predicted to be tolerated by in silico analysis. Since supporting evidence is limited at this time, the clinical significance of this alteration remains unclear.

NM_001134363.3(RBM20):c.2338G>T (p.Gly780Trp)

Gene: RBM20 (RNA binding motif protein 20; plus strand). Cytogenetic location: 10q25.2.
Variant type: single nucleotide variant.
Coding change: c.2338G>T on transcript NM_001134363.3 (MANE Select); coding-DNA position 2338, G replaced by T.
Protein change: p.Gly780Trp; replaces glycine 780 with tryptophan.
Molecular consequence: missense variant.
Genome position (GRCh38, 1-based): chr10:110,812,735, G>T. VCF-style: chr10-110812735-G-T. GRCh37 (hg19) VCF-style: chr10-112572493-G-T.
Other names: short protein forms G780W.
Identifiers: ClinVar variation 1017536 (VCV001017536.11), dbSNP rs750988872, ClinGen allele CA378373434.
Genomic context (GRCh38, chr10:110,812,735, plus strand): 5'-TACCGGAAAGAGCCCAAAGCCAAGTCGGACAAGTATCTGAAGCAGCAGCAGGATGCCCCC[G>T]GGAGGTCCAGGAGGAAAGACGAGGCCAGGCTGCGGGAAAGCAGACACCCCCATCCGGATG-3'
Protein context (NP_001127835.2, residues 770-790): KYLKQQQDAP[Gly780Trp]RSRRKDEARL